The following is an entry in ClinVar:

NM_015046.7(SETX):c.4838C>A (p.Ser1613Tyr)

Gene: SETX (senataxin; minus strand). Cytogenetic location: 9q34.13.
Variant type: single nucleotide variant.
Coding change: c.4838C>A on transcript NM_015046.7 (MANE Select); coding-DNA position 4838, C replaced by A.
Protein change: p.Ser1613Tyr; replaces serine 1613 with tyrosine.
Molecular consequence: missense variant.
Genome position (GRCh38, 1-based): chr9:132,326,760, G>T on the plus strand (C>A on the coding strand, the complement: SETX is on the minus strand). VCF-style: chr9-132326760-G-T. GRCh37 (hg19) VCF-style: chr9-135202147-G-T.
Other names: c.4838C>A, p.Ser1613Tyr (NM_001351527.2, NM_001351528.2); short protein forms S1613Y.
Identifiers: ClinVar variation 2932258 (VCV002932258.3), dbSNP rs145835495, ClinGen allele CA5297130.

ClinVar aggregate classification (germline): Uncertain significance (1 of 4 stars; one submission).

Conditions:
Amyotrophic lateral sclerosis type 4 (ALS4). Also called: AMYOTROPHIC LATERAL SCLEROSIS 4, JUVENILE; NEURONOPATHY, DISTAL HEREDITARY MOTOR, WITH PYRAMIDAL FEATURES. Identifiers: Orphanet 357043, MedGen C1865409, MONDO:0011223, OMIM 602433.
Spinocerebellar ataxia, autosomal recessive, with axonal neuropathy 2 (SCAN2). Also called: ATAXIA-OCULOMOTOR APRAXIA 2; Ataxia with Oculomotor Apraxia Type 2; Ataxia-ocular apraxia-2; Ataxia with Oculomotor Apraxia. Identifiers: Orphanet 64753, MedGen C1853761, MONDO:0018996, OMIM 606002.

Allele frequency attached by ClinVar (database versions not stated): gnomAD exomes below 0.00001; ExAC 0.00001; ESP Exome Variant Server 0.00008.
gnomAD v4.1: 1 of 1,614,172 alleles (0.000062%); highest among the groups gnomAD compares: African/African-American, 0.0013%; no homozygotes.

Submission:

Labcorp Genetics (formerly Invitae), Labcorp
Classification: Uncertain significance for Amyotrophic lateral sclerosis type 4; Spinocerebellar ataxia, autosomal recessive, with axonal neuropathy 2. Last evaluated: 2023-04-06. Review status: criteria provided, single submitter. Criteria: Invitae Variant Classification Sherloc (09022015). Collection method: clinical testing. Allele origin: germline.
Comment: This sequence change replaces serine, which is neutral and polar, with tyrosine, which is neutral and polar, at codon 1613 of the SETX protein (p.Ser1613Tyr). This variant is not present in population databases (gnomAD no frequency). This variant has not been reported in the literature in individuals affected with SETX-related conditions. Advanced modeling of protein sequence and biophysical properties (such as structural, functional, and spatial information, amino acid conservation, physicochemical variation, residue mobility, and thermodynamic stability) performed at Invitae indicates that this missense variant is not expected to disrupt SETX protein function. In summary, the available evidence is currently insufficient to determine the role of this variant in disease. Therefore, it has been classified as a Variant of Uncertain Significance.